The following is an entry in ClinVar:

ClinVar aggregate classification (germline): Likely benign (1 of 4 stars; one submission).

Conditions:
Neurodevelopmental disorder with central and peripheral motor dysfunction. Identifiers: MedGen C5193049, MONDO:0032698, OMIM 618356.

gnomAD v4.1: 270 of 1,614,172 alleles (0.017%); highest among the groups gnomAD compares: South Asian, 0.28%; no homozygotes.

Submission:

Centre for Medical Genetics,  Mumbai
Classification: Likely benign for Neurodevelopmental disorder with central and peripheral motor dysfunction. Last evaluated: 2026-03-27. Review status: criteria provided, single submitter. Criteria: ACMG Guidelines, 2015. Collection method: provider interpretation. Allele origin: germline. Inheritance: Autosomal recessive inheritance. Affected: no. Observed: 1 variant allele, 1 homozygote.
Comment: The variant satisfies PM2 criteria; Extremely low frequency in gnomAD population databases. The variant satisfies BP4 criteria; For a missense or a splice region variant, computational prediction tools unanimously support a benign effect on the gene. However, the variant satisfies BS2 criteria; present in homozygous state in an individual that clinically does not have Neurodevelopmental disorder with central and peripheral motor dysfunction.

Literature cited by the submitters: PubMed 28940097.

NM_001005388.3(NFASC):c.758C>T (p.Ala253Val)

Gene: NFASC (neurofascin; plus strand). Cytogenetic location: 1q32.1.
Variant type: single nucleotide variant.
Coding change: c.758C>T on transcript NM_001005388.3 (MANE Select); coding-DNA position 758, C replaced by T.
Protein change: p.Ala253Val; replaces alanine 253 with valine.
Molecular consequence: missense variant. On other transcripts: non-coding transcript variant (1).
Genome position (GRCh38, 1-based): chr1:204,968,300, C>T. VCF-style: chr1-204968300-C-T. GRCh37 (hg19) VCF-style: chr1-204937428-C-T.
Other names: c.758C>T, p.Ala253Val (NM_001005389.2, NM_001378329.1); c.791C>T, p.Ala264Val (NM_001160331.2, NM_001160332.2, NM_001365986.1 and 3 more transcripts); c.740C>T, p.Ala247Val (NM_001160333.2); short protein forms A247V, A253V, A264V.
Identifiers: ClinVar variation 4820203 (VCV004820203.1).